The following is an entry in ClinVar:

ClinVar aggregate classification (germline): Uncertain significance. Review status: criteria provided, multiple submitters, no conflicts (2 of 4 stars). 2 submissions from 2 submitters: Uncertain significance (2). Last evaluated 2025-03-31.

Conditions:
Joubert syndrome. Also called: CEREBELLOPARENCHYMAL DISORDER IV; JOUBERT-BOLTSHAUSER SYNDROME; Familial aplasia of the vermis. Identifiers: Orphanet 475, MedGen C5979921, MONDO:0018772.
Meckel-Gruber syndrome. Also called: DYSENCEPHALIA SPLANCHNOCYSTICA; GRUBER SYNDROME; Dysencephalia splachnocystica. Identifiers: Orphanet 564, MedGen C0265215, MONDO:0018921.
Joubert syndrome 24 (JBTS24). Identifiers: Orphanet 475, MedGen C4084841, MONDO:0014724, OMIM 616654.
Meckel syndrome, type 8. Identifiers: Orphanet 564, MedGen C3836857, MONDO:0013482, OMIM 613885.

Allele frequency attached by ClinVar (database versions not stated): gnomAD exomes 0.00001.
gnomAD v4.1: 10 of 1,613,890 alleles (0.00062%); highest among the groups gnomAD compares: African/African-American, 0.0013%; no homozygotes.

Submissions (2):

Labcorp Genetics (formerly Invitae), Labcorp
Classification: Uncertain significance for Joubert syndrome; Meckel-Gruber syndrome. Last evaluated: 2025-03-31. Review status: criteria provided, single submitter. Criteria: Invitae Variant Classification Sherloc (09022015). Collection method: clinical testing. Allele origin: germline.
Comment: This sequence change replaces glutamic acid, which is acidic and polar, with lysine, which is basic and polar, at codon 50 of the TCTN2 protein (p.Glu50Lys). This variant is not present in population databases (gnomAD no frequency). This variant has not been reported in the literature in individuals affected with TCTN2-related conditions. ClinVar contains an entry for this variant (Variation ID: 1402088). Invitae Evidence Modeling of protein sequence and biophysical properties (such as structural, functional, and spatial information, amino acid conservation, physicochemical variation, residue mobility, and thermodynamic stability) indicates that this missense variant is expected to disrupt TCTN2 protein function with a positive predictive value of 80%. In summary, the available evidence is currently insufficient to determine the role of this variant in disease. Therefore, it has been classified as a Variant of Uncertain Significance.

Fulgent Genetics
Classification: Uncertain significance for Meckel syndrome, type 8; Joubert syndrome 24. Last evaluated: 2024-01-25. Review status: criteria provided, single submitter. Criteria: ACMG Guidelines, 2015. Collection method: clinical testing. Allele origin: germline.

NM_024809.5(TCTN2):c.148G>A (p.Glu50Lys)

Gene: TCTN2 (tectonic family member 2; plus strand). Cytogenetic location: 12q24.31.
Variant type: single nucleotide variant.
Coding change: c.148G>A on transcript NM_024809.5 (MANE Select); coding-DNA position 148, G replaced by A.
Protein change: p.Glu50Lys; replaces glutamic acid 50 with lysine.
Molecular consequence: missense variant.
Genome position (GRCh38, 1-based): chr12:123,671,572, G>A. VCF-style: chr12-123671572-G-A. GRCh37 (hg19) VCF-style: chr12-124156119-G-A.
Other names: c.148G>A, p.Glu50Lys (NM_001143850.3); short protein forms E50K.
Identifiers: ClinVar variation 1402088 (VCV001402088.9), dbSNP rs959524376, ClinGen allele CA245182870.